The following is an entry in ClinVar:

NM_032271.3(TRAF7):c.1116G>C (p.Leu372=)

Gene: TRAF7 (TNF receptor associated factor 7; plus strand). Cytogenetic location: 16p13.3.
Variant type: single nucleotide variant.
Coding change: c.1116G>C on transcript NM_032271.3 (MANE Select); coding-DNA position 1116, G replaced by C.
Protein change: p.Leu372=; no amino-acid change (leucine 372 retained).
Molecular consequence: synonymous variant.
Genome position (GRCh38, 1-based): chr16:2,173,817, G>C. VCF-style: chr16-2173817-G-C. GRCh37 (hg19) VCF-style: chr16-2223818-G-C.
Identifiers: ClinVar variation 2646046 (VCV002646046.24), dbSNP rs2545007299, ClinGen allele CA492971691.
Genomic context (GRCh38, chr16:2,173,817, plus strand): 5'-CCTGCCCTCTGCCCTGCCCTTGGCCCTGCAGGACGAGCTGTCCCACATCAACGCGCGGCT[G>C]AACATGGGCATCCTAGGCTGTGAGTATGGACCCGCCGTGGCTCCCGCCCACCCTCCCCCC-3'
Protein context (NP_115647.2, residues 362-382): NDELSHINAR[Leu372=]NMGILGSYDP

ClinVar aggregate classification (germline): Likely benign (1 of 4 stars; one submission).

Submission:

CeGaT Center for Human Genetics Tuebingen
Classification: Likely benign. Last evaluated: 2023-08-01. Review status: criteria provided, single submitter. Criteria: CeGaT Center For Human Genetics Tuebingen Variant Classification Criteria Version 2. Collection method: clinical testing. Allele origin: germline. Affected: yes. Observed: 1 variant allele.
Comment: TRAF7: PM2:Supporting, BP4, BP7